The following is an entry in ClinVar:

ClinVar aggregate classification (germline): Uncertain significance (1 of 4 stars; one submission).

Submission:

Labcorp Genetics (formerly Invitae), Labcorp
Classification: Uncertain significance. Last evaluated: 2021-12-02. Review status: criteria provided, single submitter. Criteria: Invitae Variant Classification Sherloc (09022015). Collection method: clinical testing. Allele origin: germline.
Comment: This sequence change replaces tyrosine, which is neutral and polar, with cysteine, which is neutral and slightly polar, at codon 111 of the PHYH protein (p.Tyr111Cys). This variant is not present in population databases (gnomAD no frequency). This variant has not been reported in the literature in individuals affected with PHYH-related conditions. Algorithms developed to predict the effect of missense changes on protein structure and function output the following: SIFT: "Deleterious"; PolyPhen-2: "Benign"; Align-GVGD: "Class C0". The cysteine amino acid residue is found in multiple mammalian species, which suggests that this missense change does not adversely affect protein function. In summary, the available evidence is currently insufficient to determine the role of this variant in disease. Therefore, it has been classified as a Variant of Uncertain Significance.

NM_006214.4(PHYH):c.332A>G (p.Tyr111Cys)

Gene: PHYH (phytanoyl-CoA 2-hydroxylase; minus strand). Cytogenetic location: 10p13.
Variant type: single nucleotide variant.
Coding change: c.332A>G on transcript NM_006214.4 (MANE Select); coding-DNA position 332, A replaced by G.
Protein change: p.Tyr111Cys; replaces tyrosine 111 with cysteine.
Molecular consequence: missense variant.
Genome position (GRCh38, 1-based): chr10:13,294,510, T>C on the plus strand (A>G on the coding strand, the complement: PHYH is on the minus strand). VCF-style: chr10-13294510-T-C. GRCh37 (hg19) VCF-style: chr10-13336510-T-C.
Other names: c.32A>G, p.Tyr11Cys (NM_001037537.2, NM_001323080.2, NM_001323084.2); c.332A>G, p.Tyr111Cys (NM_001323082.2, NM_001323083.2); short protein forms Y111C, Y11C.
Identifiers: ClinVar variation 1372542 (VCV001372542.6), dbSNP rs2131651752, ClinGen allele CA376037086.